The following is an entry in ClinVar:

ClinVar aggregate classification (germline): Likely benign (1 of 4 stars; one submission).

Submission:

CeGaT Center for Human Genetics Tuebingen
Classification: Likely benign. Last evaluated: 2026-04-01. Review status: criteria provided, single submitter. Criteria: CeGaT Center For Human Genetics Tuebingen Variant Classification Criteria Version 2. Collection method: clinical testing. Allele origin: germline. Affected: yes. Observed: 1 variant allele.
Comment: EIF3A: PM2:Supporting, BP4, BP7

NM_003750.4(EIF3A):c.2709T>C (p.Pro903=)

Gene: EIF3A (eukaryotic translation initiation factor 3 subunit A; minus strand). Cytogenetic location: 10q26.11.
Variant type: single nucleotide variant.
Coding change: c.2709T>C on transcript NM_003750.4 (MANE Select); coding-DNA position 2709, T replaced by C.
Protein change: p.Pro903=; no amino-acid change (proline 903 retained).
Molecular consequence: synonymous variant.
Genome position (GRCh38, 1-based): chr10:119,044,092, A>G on the plus strand (T>C on the coding strand, the complement: EIF3A is on the minus strand). VCF-style: chr10-119044092-A-G. GRCh37 (hg19) VCF-style: chr10-120803604-A-G.
Identifiers: ClinVar variation 4874736 (VCV004874736.2).